The following is an entry in ClinVar:

NM_006031.6(PCNT):c.6093G>A (p.Gln2031=)

Gene: PCNT (pericentrin; plus strand). Cytogenetic location: 21q22.3.
Variant type: single nucleotide variant.
Coding change: c.6093G>A on transcript NM_006031.6 (MANE Select); coding-DNA position 6093, G replaced by A.
Protein change: p.Gln2031=; no amino-acid change (glutamine 2031 retained).
Molecular consequence: synonymous variant.
Genome position (GRCh38, 1-based): chr21:46,412,935, G>A. VCF-style: chr21-46412935-G-A. GRCh37 (hg19) VCF-style: chr21-47832849-G-A.
Other names: c.5739G>A, p.Gln1913= (NM_001315529.2).
Identifiers: ClinVar variation 436206 (VCV000436206.22), dbSNP rs138543824, ClinGen allele CA10080198.

ClinVar aggregate classification (germline): Conflicting classifications of pathogenicity. Review status: criteria provided, conflicting classifications (1 of 4 stars). 6 submissions from 6 submitters: Uncertain significance (1); Likely benign (4). 1 of the submissions does not count toward it. Last evaluated 2026-01-13.

Conditions:
PCNT-related disorder. Also called: PCNT-related condition.
Microcephalic osteodysplastic primordial dwarfism type II (MOPD2). Also called: Microcephalic osteodysplastic primordial dwarfism with tooth abnormalities; MOPD II; OSTEODYSPLASTIC PRIMORDIAL DWARFISM, TYPE II. Identifiers: Orphanet 2637, MedGen C0432246, MONDO:0008872, OMIM 210720.

Allele frequency attached by ClinVar (database versions not stated): ExAC 0.00036; TOPMed 0.00036; gnomAD 0.00038 and 0.00040; ESP Exome Variant Server 0.00100.
gnomAD v4.1: 1,099 of 1,612,114 alleles (0.068%); highest among the groups gnomAD compares: Non-Finnish European, 0.089%; 3 homozygotes.

Submissions (6):

Labcorp Genetics (formerly Invitae), Labcorp
Classification: Likely benign. Last evaluated: 2026-01-13. Review status: criteria provided, single submitter. Criteria: Invitae Variant Classification Sherloc (09022015). Collection method: clinical testing. Allele origin: germline.

Blueprint Genetics
Classification: Likely benign. Last evaluated: 2024-03-23. Review status: criteria provided, single submitter. Criteria: ACMG Guidelines, 2015. Collection method: clinical testing. Allele origin: germline.

GeneDx
Classification: Likely benign. Last evaluated: 2018-03-21. Review status: criteria provided, single submitter. Criteria: GeneDx Variant Classification (06012015). Collection method: clinical testing. Allele origin: germline. Affected: yes.
Comment: This variant is considered likely benign or benign based on one or more of the following criteria: it is a conservative change, it occurs at a poorly conserved position in the protein, it is predicted to be benign by multiple in silico algorithms, and/or has population frequency not consistent with disease.

Illumina Laboratory Services, Illumina
Classification: Uncertain significance for Microcephalic osteodysplastic primordial dwarfism type II. Last evaluated: 2018-01-13. Review status: criteria provided, single submitter. Criteria: ICSL Variant Classification Criteria 13 December 2019. Collection method: clinical testing. Allele origin: germline.

Genetic Services Laboratory, University of Chicago
Classification: Likely benign. Last evaluated: 2015-11-19. Review status: criteria provided, single submitter. Criteria: ACMG Guidelines, 2015. Collection method: clinical testing. Allele origin: germline. Affected: no.

PreventionGenetics, part of Exact Sciences
Classification: Likely benign for PCNT-related condition. Last evaluated: 2021-10-06. Review status: no assertion criteria provided. Collection method: clinical testing. Allele origin: germline. Not counted in ClinVar's aggregate classification.
Comment: This variant is classified as likely benign based on ACMG/AMP sequence variant interpretation guidelines (Richards et al. 2015 PMID: 25741868, with internal and published modifications).